The following is an entry in ClinVar:

ClinVar aggregate classification (germline): Uncertain significance. Review status: criteria provided, multiple submitters, no conflicts (2 of 4 stars). 2 submissions from 2 submitters: Uncertain significance (2). Last evaluated 2026-02-03.

Conditions:
Hereditary cancer-predisposing syndrome. Also called: Hereditary neoplastic syndrome; Tumor predisposition; Neoplastic Syndromes, Hereditary; Hereditary Cancer Syndrome. Identifiers: Orphanet 140162, MedGen C0027672, MeSH D009386, MONDO:0015356.
Tuberous sclerosis 2 (TSC2). Identifiers: Orphanet 805, MedGen C1860707, MONDO:0013199, OMIM 613254.

Submissions (2):

Ambry Genetics
Classification: Uncertain significance for Hereditary cancer-predisposing syndrome. Last evaluated: 2026-02-03. Review status: criteria provided, single submitter. Criteria: Ambry Variant Classification Scheme 2023. Collection method: clinical testing. Allele origin: germline.
Comment: The p.A1163P variant (also known as c.3487G>C), located in coding exon 29 of the TSC2 gene, results from a G to C substitution at nucleotide position 3487. The alanine at codon 1163 is replaced by proline, an amino acid with highly similar properties. This amino acid position is not well conserved in available vertebrate species. In addition, the in silico prediction for this alteration is inconclusive. Based on the available evidence, the clinical significance of this variant remains unclear.

Labcorp Genetics (formerly Invitae), Labcorp
Classification: Uncertain significance for Tuberous sclerosis 2. Last evaluated: 2020-11-13. Review status: criteria provided, single submitter. Criteria: Invitae Variant Classification Sherloc (09022015). Collection method: clinical testing. Allele origin: germline.
Comment: This sequence change replaces alanine with proline at codon 1163 of the TSC2 protein (p.Ala1163Pro). The alanine residue is moderately conserved and there is a small physicochemical difference between alanine and proline. This variant is not present in population databases (ExAC no frequency). This variant has not been reported in the literature in individuals with TSC2-related conditions. Advanced modeling of protein sequence and biophysical properties (such as structural, functional, and spatial information, amino acid conservation, physicochemical variation, residue mobility, and thermodynamic stability) performed at Invitae indicates that this missense variant is not expected to disrupt TSC2 protein function. In summary, the available evidence is currently insufficient to determine the role of this variant in disease. Therefore, it has been classified as a Variant of Uncertain Significance.

NM_000548.5(TSC2):c.3487G>C (p.Ala1163Pro)

Gene: TSC2 (TSC complex subunit 2; plus strand). Cytogenetic location: 16p13.3.
Variant type: single nucleotide variant.
Coding change: c.3487G>C on transcript NM_000548.5 (MANE Select); coding-DNA position 3487, G replaced by C.
Protein change: p.Ala1163Pro; replaces alanine 1163 with proline.
Molecular consequence: missense variant.
Genome position (GRCh38, 1-based): chr16:2,080,254, G>C. VCF-style: chr16-2080254-G-C. GRCh37 (hg19) VCF-style: chr16-2130255-G-C.
Other names: c.3355G>C, p.Ala1119Pro (NM_001077183.3, NM_001370404.1); c.3487G>C, p.Ala1163Pro (NM_001114382.3); c.3247G>C, p.Ala1083Pro (NM_001318827.2); c.3211G>C, p.Ala1071Pro (NM_001318829.2); c.2755G>C, p.Ala919Pro (NM_001318831.2); c.3388G>C, p.Ala1130Pro (NM_001318832.2); c.3358G>C, p.Ala1120Pro (NM_001363528.2, NM_001370405.1, NM_021055.3); c.3487G>C (NM_000548.3); short protein forms A1083P, A1119P, A1120P, A1071P, A1163P, A919P, A1130P.
Identifiers: ClinVar variation 1384645 (VCV001384645.9), dbSNP rs560522093, ClinGen allele CA394289055.